The following is an entry in ClinVar:

ClinVar aggregate classification (germline): Pathogenic/Likely pathogenic. Review status: criteria provided, multiple submitters, no conflicts (2 of 4 stars). 4 submissions from 4 submitters: Pathogenic (3); Likely pathogenic (1). Last evaluated 2023-08-16.

Conditions:
Hereditary nonpolyposis colorectal neoplasms. Identifiers: MedGen C0009405, MeSH D003123.
Hereditary nonpolyposis colon cancer (HNPCC). Also called: Hereditary nonpolyposis colorectal cancer; Familial nonpolyposis colon cancer; Hereditary Nonpolyposis Colorectal Cancer Syndrome. Identifiers: Orphanet 443909, MedGen C1333990, MONDO:0018630. Disease mechanism: loss of function.
Lynch syndrome 5 (LYNCH5). Also called: Hereditary non-polyposis colorectal cancer, type 5; Colorectal cancer, hereditary nonpolyposis, type 5. Identifiers: Orphanet 144, MedGen C1833477, MONDO:0013710, OMIM 614350. Disease mechanism: loss of function.

Submissions (4):

Myriad Genetics, Inc.
Classification: Pathogenic for Lynch syndrome 5. Last evaluated: 2023-08-16. Review status: criteria provided, single submitter. Criteria: Myriad Autosomal Dominant, Autosomal Recessive and X-Linked Classification Criteria (2023). Collection method: clinical testing. Allele origin: unknown.
Comment: This variant is considered pathogenic. This variant creates a frameshift predicted to result in premature protein truncation.

Labcorp Genetics (formerly Invitae), Labcorp
Classification: Pathogenic for Hereditary nonpolyposis colorectal neoplasms. Last evaluated: 2022-01-27. Review status: criteria provided, single submitter. Criteria: Invitae Variant Classification Sherloc (09022015). Collection method: clinical testing. Allele origin: germline.
Comment: This variant is not present in population databases (gnomAD no frequency). For these reasons, this variant has been classified as Pathogenic. ClinVar contains an entry for this variant (Variation ID: 525640). This variant has not been reported in the literature in individuals affected with MSH6-related conditions. This sequence change creates a premature translational stop signal (p.Thr754Asnfs*2) in the MSH6 gene. It is expected to result in an absent or disrupted protein product. Loss-of-function variants in MSH6 are known to be pathogenic (PMID: 18269114, 24362816).

Women's Health and Genetics/Laboratory Corporation of America, LabCorp
Classification: Likely pathogenic for Lynch syndrome. Last evaluated: 2019-01-25. Review status: criteria provided, single submitter. Criteria: LabCorp Variant Classification Summary - May 2015. Collection method: clinical testing. Allele origin: germline.
Comment: Variant summary: MSH6 c.2260dupA (p.Thr754AsnfsX2) results in a premature termination codon, predicted to cause a truncation of the encoded protein or absence of the protein due to nonsense mediated decay, which are commonly known mechanisms for disease. Truncations downstream of this position have been classified as pathogenic by our laboratory (e.g. c.2503C>T (p.Gln835X), c.2731C>T (p.Arg911X), and c.2764C>T (p.Arg922X)). The variant was absent in 245798 control chromosomes (gnomAD). To our knowledge, no occurrence of c.2260dupA in individuals affected with Lynch Syndrome and no experimental evidence demonstrating its impact on protein function have been reported. A ClinVar submission from a clinical diagnostic laboratory (evaluation after 2014) cites the variant as pathogenic. Based on the evidence outlined above, the variant was classified as likely pathogenic.

Quest Diagnostics Nichols Institute San Juan Capistrano
Classification: Pathogenic. Last evaluated: 2018-01-18. Review status: criteria provided, single submitter. Criteria: Quest Diagnostics criteria. Collection method: clinical testing. Allele origin: germline.

Literature cited by the submitters: PubMed 18269114 (cited by Labcorp Genetics (formerly Invitae), Labcorp); PubMed 24362816 (cited by Labcorp Genetics (formerly Invitae), Labcorp).

NM_000179.3(MSH6):c.2260dup (p.Thr754fs)

Gene: MSH6 (mutS homolog 6; plus strand). Cytogenetic location: 2p16.3.
Variant type: Duplication.
Coding change: c.2260dup on transcript NM_000179.3 (MANE Select); coding-DNA position 2260, one base duplicated (A; older notation c.2260dupA).
Protein change: p.Thr754fs; shifts the reading frame from threonine 754.
Molecular consequence: frameshift variant.
Genome position (GRCh38, 1-based): chr2:47,800,243, A duplicated. VCF-style (leftmost placement, unchanged base first): chr2-47800242-T-TA. GRCh37 (hg19) VCF-style: chr2-48027381-T-TA.
Other names: c.2260dupA (NM_000179.2); c.1870dup, p.Thr624fs (NM_001281492.2); c.1354dup, p.Thr452fs (NM_001281493.2, NM_001281494.2); short protein forms T452fs, T754fs, T624fs.
Identifiers: ClinVar variation 525640 (VCV000525640.10), dbSNP rs1553413640, ClinGen allele CA658795770.